The following is an entry in ClinVar:

NM_000069.3(CACNA1S):c.5248A>G (p.Met1750Val)

Gene: CACNA1S (calcium voltage-gated channel subunit alpha1 S; minus strand). Cytogenetic location: 1q32.1.
Variant type: single nucleotide variant.
Coding change: c.5248A>G on transcript NM_000069.3 (MANE Select); coding-DNA position 5248, A replaced by G.
Protein change: p.Met1750Val; replaces methionine 1750 with valine.
Molecular consequence: missense variant.
Genome position (GRCh38, 1-based): chr1:201,040,353, T>C on the plus strand (A>G on the coding strand, the complement: CACNA1S is on the minus strand). VCF-style: chr1-201040353-T-C. GRCh37 (hg19) VCF-style: chr1-201009481-T-C.
Other names: short protein forms M1750V.
Identifiers: ClinVar variation 452887 (VCV000452887.5), dbSNP rs771065920, ClinGen allele CA083788.
Genomic context (GRCh38, chr1:201,040,353, plus strand): 5'-TGCTGTGGGGTGTCTCCTCATGAAGAGACCCTGGTGTGGAGCTCTTTCTGTCCTCAGGCA[T>C]GGAGGACTCCACCCTGGGGCACTGTTCCAAAGGTACAAAAGCAAAGACCCCGACAGGGGT-3'
Protein context (NP_000060.2, residues 1740-1760): PCQCPRVESS[Met1750Val]PEDRKSSTPG

ClinVar aggregate classification (germline): Uncertain significance. Review status: criteria provided, multiple submitters, no conflicts (2 of 4 stars). 6 submissions from 3 submitters: Uncertain significance (6). Last evaluated 2023-04-11.

Conditions:
Congenital myopathy 18. Also called: Myopathy, congenital, due to dihydropyridine receptor defect; DIHYDROPYRIDINE RECEPTOR CONGENITAL MYOPATHY; DHPR CONGENITAL MYOPATHY. Identifiers: MedGen C5830283, MONDO:0859514, OMIM 620246.
Malignant hyperthermia, susceptibility to, 5 (MHS5). Also called: CACNA1S-Related Malignant Hyperthermia Susceptibility. Identifiers: Orphanet 423, MedGen C1866077, MONDO:0011163, OMIM 601887.
Thyrotoxic periodic paralysis, susceptibility to, 1 (TTPP1). Identifiers: Orphanet 79102, MedGen C2749982, MONDO:0008570, OMIM 188580.
Hypokalemic periodic paralysis, type 1. Also called: HypoPP; Hypokalemic Periodic Paralysis Type 1 (AD). Identifiers: Orphanet 681, MedGen C3714580, MONDO:0042979, OMIM 170400.

Allele frequency attached by ClinVar (database versions not stated): gnomAD 0.00001; gnomAD exomes 0.00001; TOPMed 0.00001; ExAC 0.00002.

Submissions (6):

Genome-Nilou Lab
Classification: Uncertain significance for Malignant hyperthermia, susceptibility to, 5. Last evaluated: 2023-04-11. Review status: criteria provided, single submitter. Criteria: ACMG Guidelines, 2015. Collection method: clinical testing. Allele origin: germline. Affected: no.

Genome-Nilou Lab
Classification: Uncertain significance for Thyrotoxic periodic paralysis, susceptibility to, 1. Last evaluated: 2023-04-11. Review status: criteria provided, single submitter. Criteria: ACMG Guidelines, 2015. Collection method: clinical testing. Allele origin: germline. Affected: no.

Genome-Nilou Lab
Classification: Uncertain significance for Congenital myopathy 18. Last evaluated: 2023-04-11. Review status: criteria provided, single submitter. Criteria: ACMG Guidelines, 2015. Collection method: clinical testing. Allele origin: germline. Affected: no.

Genome-Nilou Lab
Classification: Uncertain significance for Hypokalemic periodic paralysis, type 1. Last evaluated: 2023-04-11. Review status: criteria provided, single submitter. Criteria: ACMG Guidelines, 2015. Collection method: clinical testing. Allele origin: germline. Affected: no.

GeneDx
Classification: Uncertain significance. Last evaluated: 2022-12-22. Review status: criteria provided, single submitter. Criteria: GeneDx Variant Classification Process June 2021. Collection method: clinical testing. Allele origin: germline. Affected: yes.
Comment: Not observed at significant frequency in large population cohorts (gnomAD); In silico analysis supports that this missense variant does not alter protein structure/function; Has not been previously published as pathogenic or benign to our knowledge

Fulgent Genetics
Classification: Uncertain significance for Hypokalemic periodic paralysis, type 1; Thyrotoxic periodic paralysis, susceptibility to, 1; Malignant hyperthermia, susceptibility to, 5. Last evaluated: 2022-03-16. Review status: criteria provided, single submitter. Criteria: ACMG Guidelines, 2015. Collection method: clinical testing. Allele origin: unknown.